The following is an entry in ClinVar:

ClinVar aggregate classification (germline): Uncertain significance (1 of 4 stars; one submission).

Allele frequency attached by ClinVar (database versions not stated): gnomAD exomes below 0.00001; gnomAD 0.00001; ExAC 0.00002.
gnomAD v4.1: 6 of 1,613,432 alleles (0.00037%); highest among the groups gnomAD compares: Middle Eastern, 0.016%; no homozygotes.

Submission:

Labcorp Genetics (formerly Invitae), Labcorp
Classification: Uncertain significance. Last evaluated: 2022-10-26. Review status: criteria provided, single submitter. Criteria: Invitae Variant Classification Sherloc (09022015). Collection method: clinical testing. Allele origin: germline.
Comment: In summary, the available evidence is currently insufficient to determine the role of this variant in disease. Therefore, it has been classified as a Variant of Uncertain Significance. Algorithms developed to predict the effect of missense changes on protein structure and function (SIFT, PolyPhen-2, Align-GVGD) all suggest that this variant is likely to be tolerated. This variant has not been reported in the literature in individuals affected with ARIH1-related conditions. This variant is present in population databases (rs770559164, gnomAD 0.003%). This sequence change replaces arginine, which is basic and polar, with glutamine, which is neutral and polar, at codon 171 of the ARIH1 protein (p.Arg171Gln).

NM_005744.5(ARIH1):c.512G>A (p.Arg171Gln)

Gene: ARIH1 (ariadne RBR E3 ubiquitin protein ligase 1; plus strand). Cytogenetic location: 15q24.1.
Variant type: single nucleotide variant.
Coding change: c.512G>A on transcript NM_005744.5 (MANE Select); coding-DNA position 512, G replaced by A.
Protein change: p.Arg171Gln; replaces arginine 171 with glutamine.
Molecular consequence: missense variant.
Genome position (GRCh38, 1-based): chr15:72,544,888, G>A. VCF-style: chr15-72544888-G-A. GRCh37 (hg19) VCF-style: chr15-72837229-G-A.
Other names: short protein forms R171Q.
Identifiers: ClinVar variation 1930162 (VCV001930162.5), dbSNP rs770559164, ClinGen allele CA7645517.